The following is an entry in ClinVar:

ClinVar aggregate classification (germline): Benign/Likely benign. Review status: criteria provided, multiple submitters, no conflicts (2 of 4 stars). 9 submissions from 9 submitters: Benign (1); Likely benign (5). 3 of the submissions do not count toward it. Last evaluated 2026-01-23.

Conditions:
WFS1-related disorder. Identifiers: MedGen CN379391, MONDO:0700293.
Wolfram syndrome 1 (WFS1). Identifiers: Orphanet 3463, MedGen C4551693, MONDO:0009101, OMIM 222300.

Allele frequency attached by ClinVar (database versions not stated): ESP Exome Variant Server 0.00015; gnomAD 0.00020 and 0.00021; gnomAD exomes 0.00022; ExAC 0.00023; TOPMed 0.00024; 1000 Genomes Project 30x 0.00031; 1000 Genomes Project 0.00040.
gnomAD v4.1: 468 of 1,612,430 alleles (0.029%); highest among the groups gnomAD compares: Middle Eastern, 0.049%; 1 homozygote.

Submissions (9):

Labcorp Genetics (formerly Invitae), Labcorp
Classification: Likely benign. Last evaluated: 2026-01-23. Review status: criteria provided, single submitter. Criteria: Invitae Variant Classification Sherloc (09022015). Collection method: clinical testing. Allele origin: germline.

CeGaT Center for Human Genetics Tuebingen
Classification: Likely benign. Last evaluated: 2024-12-01. Review status: criteria provided, single submitter. Criteria: CeGaT Center For Human Genetics Tuebingen Variant Classification Criteria Version 2. Collection method: clinical testing. Allele origin: germline. Affected: yes. Observed: 3 variant alleles.
Comment: WFS1: BP4, BP7

Blueprint Genetics
Classification: Likely benign. Last evaluated: 2024-11-13. Review status: criteria provided, single submitter. Criteria: ACMG Guidelines, 2015. Collection method: clinical testing. Allele origin: germline.

GeneDx
Classification: Likely benign. Last evaluated: 2021-05-12. Review status: criteria provided, single submitter. Criteria: GeneDx Variant Classification Process June 2021. Collection method: clinical testing. Allele origin: germline. Affected: yes.

Laboratory for Molecular Medicine, Mass General Brigham Personalized Medicine
Classification: Likely benign. Last evaluated: 2017-07-20. Review status: criteria provided, single submitter. Criteria: LMM Criteria. Collection method: clinical testing. Allele origin: germline. Observed: 4 variant alleles.
Comment: p.Ser544Ser in Exon 08 of WFS1: This variant is not expected to have clinical si gnificance because it does not alter an amino acid residue and is not located wi thin the splice consensus sequence. It has also been identified in 35/126666 of European chromosomes by the Genome Aggregation Database (gnomAD; dbSNP rs140115060).

Clinical Genomics, Uppaluri K&H Personalized Medicine Clinic
Classification: Benign for Wolfram syndrome 1. Review status: criteria provided, single submitter. Criteria: K & H Uppaluri Personalized Medicine Clinic Variant Classification & Assertion Criteria_Updated V.1. Collection method: research. Allele origin: unknown. Inheritance: Autosomal recessive inheritance.
Comment: Potent mutations in WFS1 gene are associated with Wolfram's syndrome, an autosomal recessive condition, which cause diabetes mellitus, diabetes insipidus, deafness and optic atrophy.However no sufficient evidence is found to ascertain the role of this particular variant rs140115060 in Wolfram's syndrome yet.

PreventionGenetics, part of Exact Sciences
Classification: Likely benign for WFS1-related condition. Last evaluated: 2019-03-13. Review status: no assertion criteria provided. Collection method: clinical testing. Allele origin: germline. Not counted in ClinVar's aggregate classification.
Comment: This variant is classified as likely benign based on ACMG/AMP sequence variant interpretation guidelines (Richards et al. 2015 PMID: 25741868, with internal and published modifications).

Clinical Genetics DNA and cytogenetics Diagnostics Lab, Erasmus MC, Erasmus Medical Center
Classification: Likely benign. Review status: no assertion criteria provided. Collection method: clinical testing. Allele origin: germline. Affected: yes. Study: VKGL Data-share Consensus. Not counted in ClinVar's aggregate classification.

Laboratory of Diagnostic Genome Analysis, Leiden University Medical Center (LUMC)
Classification: Likely benign. Review status: no assertion criteria provided. Collection method: clinical testing. Allele origin: germline. Affected: yes. Study: VKGL Data-share Consensus. Not counted in ClinVar's aggregate classification.

Literature cited by the submitters: PubMed 20738327 (cited by Clinical Genomics, Uppaluri K&H Personalized Medicine Clinic); PubMed 33879153 (cited by Clinical Genomics, Uppaluri K&H Personalized Medicine Clinic); PubMed 12955714 (cited by Clinical Genomics, Uppaluri K&H Personalized Medicine Clinic); PubMed 18060660 (cited by Clinical Genomics, Uppaluri K&H Personalized Medicine Clinic); PubMed 20301750 (cited by Clinical Genomics, Uppaluri K&H Personalized Medicine Clinic); PubMed 17603484 (cited by Clinical Genomics, Uppaluri K&H Personalized Medicine Clinic).

NM_006005.3(WFS1):c.1632C>T (p.Ser544=)

Gene: WFS1 (wolframin ER transmembrane glycoprotein; plus strand). Cytogenetic location: 4p16.1.
Variant type: single nucleotide variant.
Coding change: c.1632C>T on transcript NM_006005.3 (MANE Select); coding-DNA position 1632, C replaced by T.
Protein change: p.Ser544=; no amino-acid change (serine 544 retained).
Molecular consequence: synonymous variant.
Genome position (GRCh38, 1-based): chr4:6,301,427, C>T. VCF-style: chr4-6301427-C-T. GRCh37 (hg19) VCF-style: chr4-6303154-C-T.
Other names: c.1632C>T, p.Ser544= (NM_001145853.1).
Identifiers: ClinVar variation 178593 (VCV000178593.64), dbSNP rs140115060, ClinGen allele CA182622.